The following is an entry in ClinVar:

ClinVar aggregate classification (germline): Conflicting classifications of pathogenicity. Review status: criteria provided, conflicting classifications (1 of 4 stars). 4 submissions from 4 submitters: Likely pathogenic (3); Uncertain significance (1). Last evaluated 2025-02-14.

Conditions:
Hypotonia, infantile, with psychomotor retardation and characteristic facies 3 (IHPRF3). Also called: TBCK-Related Neurodevelopmental Disorder. Identifiers: Orphanet 488632, MedGen C5567480, MONDO:0014823, OMIM 616900.

Allele frequency attached by ClinVar (database versions not stated): TOPMed below 0.00001; ExAC 0.00001; gnomAD exomes 0.00001.

Submissions (4):

Labcorp Genetics (formerly Invitae), Labcorp
Classification: Likely pathogenic. Last evaluated: 2025-02-14. Review status: criteria provided, single submitter. Criteria: Invitae Variant Classification Sherloc (09022015). Collection method: clinical testing. Allele origin: germline.
Comment: This sequence change affects a donor splice site in intron 13 of the TBCK gene. It is expected to disrupt RNA splicing. Variants that disrupt the donor or acceptor splice site typically lead to a loss of protein function (PMID: 16199547), and loss-of-function variants in TBCK are known to be pathogenic (PMID: 27040692, 30103036). This variant is present in population databases (rs760715215, gnomAD 0.03%). This variant has not been reported in the literature in individuals affected with TBCK-related conditions. ClinVar contains an entry for this variant (Variation ID: 446005). Algorithms developed to predict the effect of sequence changes on RNA splicing suggest that this variant may disrupt the consensus splice site. In summary, the currently available evidence indicates that the variant is pathogenic, but additional data are needed to prove that conclusively. Therefore, this variant has been classified as Likely Pathogenic.

Broad Center for Mendelian Genomics, Broad Institute of MIT and Harvard
Classification: Uncertain significance for Hypotonia, infantile, with psychomotor retardation and characteristic facies 3. Last evaluated: 2025-01-14. Review status: criteria provided, single submitter. Criteria: ACMG Guidelines, 2015. Collection method: curation. Allele origin: germline. Inheritance: Autosomal recessive inheritance.
Comment: The c.1220+1G>A variant in TBCK has not been previously reported in the literature in individuals with TBCK-related intellectual disability syndrome, but has been identified in 0.02% (6/26380) of Ashkenazi Jewish chromosomes by the Genome Aggregation Database (gnomAD; dbSNP ID: rs760715215). Although this variant has been seen in the general population in a heterozygous state, its frequency is not high enough to rule out a pathogenic role. This variant has also been reported in ClinVar (Variation ID: 446005) and has been interpreted as pathogenic by Center for Pediatric Genomic Medicine (Children's Mercy Hospital and Clinics). This variant is located in the 3' splice region. Computational tools predict a splicing impact, though this information is not predictive enough to determine pathogenicity. Loss of function of the TBCK gene is an established disease mechanism in autosomal recessive TBCK-related intellectual disability syndrome. In summary, the clinical significance of the c.1220+1G>A variant is uncertain. ACMG/AMP Criteria applied: PVS1 (Richards 2015).

Women's Health and Genetics/Laboratory Corporation of America, LabCorp
Classification: Likely pathogenic for Hypotonia, infantile, with psychomotor retardation and characteristic facies 3. Last evaluated: 2024-09-19. Review status: criteria provided, single submitter. Criteria: LabCorp Variant Classification Summary - May 2015. Collection method: clinical testing. Allele origin: germline.
Comment: Variant summary: TBCK c.1220+1G>A is located in a canonical splice-site and is predicted to affect mRNA splicing resulting in a significantly altered protein due to either exon skipping, shortening, or inclusion of intronic material. Variants that disrupt the consensus splice site are a relatively common cause of aberrant splicing and loss of TBCK function. The variant allele was found at a frequency of 6.1e-06 in 1485864 control chromosomes. To our knowledge, no occurrence of c.1220+1G>A in individuals affected with Hypotonia, Infantile, With Psychomotor Retardation And Characteristic Facies 3 and no experimental evidence demonstrating its impact on protein function have been reported. ClinVar contains an entry for this variant (Variation ID: 446005). Based on the evidence outlined above, the variant was classified as likely pathogenic.

Center for Pediatric Genomic Medicine, Children's Mercy Hospital and Clinics
Classification: Likely pathogenic. Last evaluated: 2017-04-24. Review status: criteria provided, single submitter. Criteria: ACMG Guidelines, 2015. Collection method: clinical testing. Allele origin: germline.

Literature cited by the submitters: PubMed 16199547 (cited by Labcorp Genetics (formerly Invitae), Labcorp); PubMed 27040692 (cited by Labcorp Genetics (formerly Invitae), Labcorp); PubMed 30103036 (cited by Labcorp Genetics (formerly Invitae), Labcorp).

NM_001163435.3(TBCK):c.1220+1G>A

Gene: TBCK (TBC1 domain containing kinase; minus strand). Cytogenetic location: 4q24.
Variant type: single nucleotide variant.
Coding change: c.1220+1G>A on transcript NM_001163435.3 (MANE Select); the canonical splice donor site of the intron after coding-DNA position 1220, G replaced by A.
Molecular consequence: splice donor variant.
Genome position (GRCh38, 1-based): chr4:106,236,758, C>T on the plus strand (G>A on the coding strand, the complement: TBCK is on the minus strand). VCF-style: chr4-106236758-C-T. GRCh37 (hg19) VCF-style: chr4-107157915-C-T.
Other names: c.1220+1G>A (NM_001163436.4); c.1031+1G>A (NM_033115.5); c.1103+1G>A (NM_001163437.3); c.704+1G>A (NM_001290768.2).
Identifiers: ClinVar variation 446005 (VCV000446005.5), dbSNP rs760715215, ClinGen allele CA3035150.